The following is an entry in ClinVar:

ClinVar aggregate classification (germline): Uncertain significance (1 of 4 stars; one submission).

gnomAD v4.1: 1 of 1,612,246 alleles (0.000062%); no homozygotes.

Submission:

GeneDx
Classification: Uncertain significance. Last evaluated: 2022-11-02. Review status: criteria provided, single submitter. Criteria: GeneDx Variant Classification Process June 2021. Collection method: clinical testing. Allele origin: germline. Affected: yes.
Comment: Not observed at significant frequency in large population cohorts (gnomAD); In silico analysis supports that this missense variant has a deleterious effect on protein structure/function; Has not been previously published as pathogenic or benign to our knowledge

NM_004960.4(FUS):c.838G>A (p.Asp280Asn)

Gene: FUS (FUS RNA binding protein; plus strand). Cytogenetic location: 16p11.2.
Variant type: single nucleotide variant.
Coding change: c.838G>A on transcript NM_004960.4 (MANE Select); coding-DNA position 838, G replaced by A.
Protein change: p.Asp280Asn; replaces aspartic acid 280 with asparagine.
Molecular consequence: missense variant. On other transcripts: non-coding transcript variant (1).
Genome position (GRCh38, 1-based): chr16:31,189,128, G>A. VCF-style: chr16-31189128-G-A. GRCh37 (hg19) VCF-style: chr16-31200449-G-A.
Other names: c.835G>A, p.Asp279Asn (NM_001170634.1); c.826G>A, p.Asp276Asn (NM_001170937.1); short protein forms D276N, D279N, D280N.
Identifiers: ClinVar variation 2501462 (VCV002501462.1), dbSNP rs1222103498, ClinGen allele CA395671987.
Genomic context (GRCh38, chr16:31,189,128, plus strand): 5'-CCTGTGTTTTTTATTTTACCTTTTCACATTTGCATTTTCTCTGTTCAACAAGCAGAACAG[G>A]ATAATTCAGACAACAACACCATCTTTGTGCAAGGCCTGGGTGAGAATGTTACAATTGAGT-3'
Protein context (NP_004951.1, residues 270-290): DQGSRHDSEQ[Asp280Asn]NSDNNTIFVQ